The following is an entry in ClinVar:

NM_004525.3(LRP2):c.9967C>A (p.Pro3323Thr)

Gene: LRP2 (LDL receptor related protein 2; minus strand). Cytogenetic location: 2q31.1.
Variant type: single nucleotide variant.
Coding change: c.9967C>A on transcript NM_004525.3 (MANE Select); coding-DNA position 9967, C replaced by A.
Protein change: p.Pro3323Thr; replaces proline 3323 with threonine.
Molecular consequence: missense variant.
Genome position (GRCh38, 1-based): chr2:169,182,198, G>T on the plus strand (C>A on the coding strand, the complement: LRP2 is on the minus strand). VCF-style: chr2-169182198-G-T. GRCh37 (hg19) VCF-style: chr2-170038708-G-T.
Other names: short protein forms P3323T.
Identifiers: ClinVar variation 3344967 (VCV003344967.1).

ClinVar aggregate classification (germline): Uncertain significance (0 of 4 stars; one submission).

Conditions:
LRP2-related disorder. Also called: LRP2-related condition.

gnomAD v4.1: 3 of 1,613,988 alleles (0.00019%); highest among the groups gnomAD compares: Non-Finnish European, 0.00025%; no homozygotes.

Submission:

PreventionGenetics, part of Exact Sciences
Classification: Uncertain significance for LRP2-related condition. Last evaluated: 2024-09-19. Review status: no assertion criteria provided. Collection method: clinical testing. Allele origin: germline.
Comment: The LRP2 c.9967C>A variant is predicted to result in the amino acid substitution p.Pro3323Thr. To our knowledge, this variant has not been reported in the literature or in a large population database, indicating this variant is rare. At this time, the clinical significance of this variant is uncertain due to the absence of conclusive functional and genetic evidence.